The following is an entry in ClinVar:

NM_018263.6(ASXL2):c.2591A>C (p.Asn864Thr)

Gene: ASXL2 (ASXL transcriptional regulator 2; minus strand). Cytogenetic location: 2p23.3.
Variant type: single nucleotide variant.
Coding change: c.2591A>C on transcript NM_018263.6 (MANE Select); coding-DNA position 2591, A replaced by C.
Protein change: p.Asn864Thr; replaces asparagine 864 with threonine.
Molecular consequence: missense variant.
Genome position (GRCh38, 1-based): chr2:25,743,746, T>G on the plus strand (A>C on the coding strand, the complement: ASXL2 is on the minus strand). VCF-style: chr2-25743746-T-G. GRCh37 (hg19) VCF-style: chr2-25966615-T-G.
Other names: c.2417A>C, p.Asn806Thr (NM_001369346.1); c.1811A>C, p.Asn604Thr (NM_001369347.1); short protein forms N604T, N806T, N864T.
Identifiers: ClinVar variation 989310 (VCV000989310.4), dbSNP rs2087887513, ClinGen allele CA346080704.

ClinVar aggregate classification (germline): Uncertain significance (1 of 4 stars; one submission).

Conditions:
Shashi-Pena syndrome (SHAPNS). Identifiers: Orphanet 689408, MedGen C4310672, MONDO:0014963, OMIM 617190.

Submission:

Illumina Laboratory Services, Illumina
Classification: Uncertain significance for Shashi-Pena syndrome. Last evaluated: 2019-03-08. Review status: criteria provided, single submitter. Criteria: ICSLVariantClassificationCriteria RUGD 01 April 2020. Collection method: clinical testing. Allele origin: unknown.
Comment: The ASXL2 c.2591A>C (p.Asn864Thr) variant is a missense variant. A literature search was performed for the gene, cDNA change, and amino acid change. No publications were found based on this search. The variant is not found in the Genome Aggregation Database in a region of good sequencing coverage so the variant is presumed to be rare. Based on the limited evidence, the p.Asn864Thr variant is classified as a variant of uncertain significance for Shashi-Pena syndrome.